The following is an entry in ClinVar:

NM_001042517.2(DIAPH3):c.3283A>G (p.Met1095Val)

Gene: DIAPH3 (diaphanous related formin 3; minus strand). Cytogenetic location: 13q21.2.
Variant type: single nucleotide variant.
Coding change: c.3283A>G on transcript NM_001042517.2 (MANE Select); coding-DNA position 3283, A replaced by G.
Protein change: p.Met1095Val; replaces methionine 1095 with valine.
Molecular consequence: missense variant.
Genome position (GRCh38, 1-based): chr13:59,774,225, T>C on the plus strand (A>G on the coding strand, the complement: DIAPH3 is on the minus strand). VCF-style: chr13-59774225-T-C. GRCh37 (hg19) VCF-style: chr13-60348359-T-C.
Other names: c.3250A>G, p.Met1084Val (NM_001258366.2); c.3145A>G, p.Met1049Val (NM_001258367.2); c.3073A>G, p.Met1025Val (NM_001258368.2); c.3283A>G, p.Met1095Val (NM_001258369.2); c.2494A>G, p.Met832Val (NM_030932.4); short protein forms M1025V, M1049V, M1084V, M1095V, M832V.
Identifiers: ClinVar variation 1195362 (VCV001195362.11), dbSNP rs199814282, ClinGen allele CA6996077.

ClinVar aggregate classification (germline): Conflicting classifications of pathogenicity. Review status: criteria provided, conflicting classifications (1 of 4 stars). 4 submissions from 4 submitters: Uncertain significance (2); Likely benign (1). 1 of the submissions does not count toward it. Last evaluated 2024-08-05.

Conditions:
DIAPH3-related disorder. Also called: DIAPH3-related condition.

Allele frequency attached by ClinVar (database versions not stated): gnomAD exomes 0.00002 and 0.00006; ExAC 0.00008; gnomAD 0.00021 and 0.00022; TOPMed 0.00023; ESP Exome Variant Server 0.00025.

Submissions (4):

Ambry Genetics
Classification: Uncertain significance. Last evaluated: 2024-08-05. Review status: criteria provided, single submitter. Criteria: Ambry Variant Classification Scheme 2023. Collection method: clinical testing. Allele origin: germline.

Labcorp Genetics (formerly Invitae), Labcorp
Classification: Uncertain significance. Last evaluated: 2021-11-16. Review status: criteria provided, single submitter. Criteria: Invitae Variant Classification Sherloc (09022015). Collection method: clinical testing. Allele origin: germline.
Comment: This variant has not been reported in the literature in individuals affected with DIAPH3-related conditions. This variant is present in population databases (rs199814282, gnomAD 0.06%), and has an allele count higher than expected for a pathogenic variant. This sequence change replaces methionine, which is neutral and non-polar, with valine, which is neutral and non-polar, at codon 1095 of the DIAPH3 protein (p.Met1095Val). ClinVar contains an entry for this variant (Variation ID: 1195362). In summary, the available evidence is currently insufficient to determine the role of this variant in disease. Therefore, it has been classified as a Variant of Uncertain Significance. Algorithms developed to predict the effect of missense changes on protein structure and function output the following: SIFT: "Tolerated"; PolyPhen-2: "Benign"; Align-GVGD: "Class C0". The valine amino acid residue is found in multiple mammalian species, which suggests that this missense change does not adversely affect protein function.

GeneDx
Classification: Likely benign. Last evaluated: 2020-03-30. Review status: criteria provided, single submitter. Criteria: GeneDx Variant Classification Process June 2021. Collection method: clinical testing. Allele origin: germline. Affected: yes.
Comment: In silico analysis supports that this missense variant does not alter protein structure/function; Has not been previously published as pathogenic or benign to our knowledge

PreventionGenetics, part of Exact Sciences
Classification: Likely benign for DIAPH3-related condition. Last evaluated: 2024-01-12. Review status: no assertion criteria provided. Collection method: clinical testing. Allele origin: germline. Not counted in ClinVar's aggregate classification.
Comment: This variant is classified as likely benign based on ACMG/AMP sequence variant interpretation guidelines (Richards et al. 2015 PMID: 25741868, with internal and published modifications).